The following is an entry in ClinVar:

NM_015021.3(ZNF292):c.6296C>A (p.Ser2099Tyr)

Gene: ZNF292 (zinc finger protein 292; plus strand). Cytogenetic location: 6q14.3.
Variant type: single nucleotide variant.
Coding change: c.6296C>A on transcript NM_015021.3 (MANE Select); coding-DNA position 6296, C replaced by A.
Protein change: p.Ser2099Tyr; replaces serine 2099 with tyrosine.
Molecular consequence: missense variant.
Genome position (GRCh38, 1-based): chr6:87,259,925, C>A. VCF-style: chr6-87259925-C-A. GRCh37 (hg19) VCF-style: chr6-87969643-C-A.
Other names: c.5876C>A, p.Ser1959Tyr (NM_001351444.2); short protein forms S1959Y, S2099Y.
Identifiers: ClinVar variation 2656755 (VCV002656755.24), dbSNP rs768826330, ClinGen allele CA364937479.
Genomic context (GRCh38, chr6:87,259,925, plus strand): 5'-GACGGAAGATTAGGAGGCATAAAAAAGAAAAGGAGGAGAAAAAACGAAAGAAGCCAGTTT[C>A]CCAATCCCTTGAGTTTCCAACAAGATACAGTCCTTACAGACCTTATCGATGTGTTCACCA-3'
Protein context (NP_055836.1, residues 2089-2109): KEEKKRKKPV[Ser2099Tyr]QSLEFPTRYS

ClinVar aggregate classification (germline): Uncertain significance (1 of 4 stars; one submission).

Submission:

CeGaT Center for Human Genetics Tuebingen
Classification: Uncertain significance. Last evaluated: 2023-05-01. Review status: criteria provided, single submitter. Criteria: CeGaT Center For Human Genetics Tuebingen Variant Classification Criteria Version 2. Collection method: clinical testing. Allele origin: germline. Affected: yes. Observed: 1 variant allele.
Comment: ZNF292: PM2, BP1, BP4